The following is an entry in ClinVar:

ClinVar aggregate classification (germline): Conflicting classifications of pathogenicity. Review status: criteria provided, conflicting classifications (1 of 4 stars). 8 submissions from 8 submitters: Uncertain significance (3); Likely benign (5). Last evaluated 2026-06-01.

Conditions:
MYH11-related disorder. Also called: MYH11-related condition.
Familial thoracic aortic aneurysm and aortic dissection (TAAD). Also called: Thoracic aortic aneurysms and dissections. Identifiers: Orphanet 91387, MedGen C4707243, MONDO:0019625.
Aortic aneurysm, familial thoracic 4 (AAT4). Also called: AORTIC ANEURYSM/AORTIC DISSECTION AND PATENT DUCTUS ARTERIOSUS. Identifiers: MedGen C1851504, MONDO:0007568, OMIM 132900.

Submissions (8):

Women's Health and Genetics/Laboratory Corporation of America, LabCorp
Classification: Likely benign. Last evaluated: 2026-06-01. Review status: criteria provided, single submitter. Criteria: LabCorp Variant Classification Summary - May 2015. Collection method: clinical testing. Allele origin: germline.
Comment: Variant summary: MYH11 c.4261_4263delinsACG (p.Ala1421Thr) results in a non-conservative amino acid change in the encoded protein sequence. Algorithms developed to predict the effect of missense changes on protein structure and function all suggest that this variant is likely to be disruptive. The variant allele was found at a frequency of 0.00097 in 1614200 control chromosomes, predominantly at a frequency of 0.0012 within the Non-Finnish European subpopulation in the gnomAD database, including 3 homozygotes. The observed variant frequency within Non-Finnish European control individuals in the gnomAD database exceeds the estimated maximal expected allele frequency for disease-causing variants in MYH11. c.4261_4263delinsACG has been reported in the literature in individuals affected with Aortopathy (Stranneheim_2021). This report does not provide unequivocal conclusions about association of the variant with disease. To our knowledge, no experimental evidence demonstrating an impact on protein function has been reported. The following publication has been ascertained in the context of this evaluation (PMID: 33726816). ClinVar contains an entry for this variant (Variation ID: 201110). Based on the evidence outlined above, the variant was classified as likely benign.

ARUP Laboratories, Molecular Genetics and Genomics, ARUP Laboratories
Classification: Uncertain significance. Last evaluated: 2025-05-14. Review status: criteria provided, single submitter. Criteria: ARUP Molecular Germline Variant Investigation Process 2024. Collection method: clinical testing. Allele origin: germline.
Comment: The MYH11 c.4240_4242delinsACG; p.Ala1414Thr variant (rs794728676), to our knowledge, is not reported in the medical literature associated with disease but is reported in ClinVar (Variation ID: 201110). This variant is found in the general population with an approximate overall allele frequency of 0.044% (125/282870 alleles, based on the frequency of the c.4240G>A component variant) in the Genome Aggregation Database. Computational analyses are uncertain whether the p.Ala1414Thr variant is neutral or deleterious (REVEL: 0.296). Due to limited information, the clinical significance of the c.4240_4242delinsACG; p.Ala1414Thr variant is uncertain at this time.

GeneDx
Classification: Uncertain significance. Last evaluated: 2025-02-11. Review status: criteria provided, single submitter. Criteria: GeneDx Variant Classification Process June 2021. Collection method: clinical testing. Allele origin: germline. Affected: yes.
Comment: In silico analysis indicates that this variant does not alter protein structure/function; Has not been previously published as pathogenic or benign in association with an MYH11-related disorder to our knowledge; This variant is associated with the following publications: (PMID: 33726816)

Ambry Genetics
Classification: Likely benign for Familial thoracic aortic aneurysm and aortic dissection. Last evaluated: 2024-11-08. Review status: criteria provided, single submitter. Criteria: Ambry Variant Classification Scheme 2023. Collection method: clinical testing. Allele origin: germline.

CHEO Genetics Diagnostic Laboratory, Children's Hospital of Eastern Ontario
Classification: Likely benign for Familial thoracic aortic aneurysm and aortic dissection. Last evaluated: 2023-06-13. Review status: criteria provided, single submitter. Criteria: ACMG Guidelines, 2015. Collection method: clinical testing. Allele origin: germline.

PreventionGenetics, part of Exact Sciences
Classification: Uncertain significance for MYH11-related condition. Last evaluated: 2022-10-21. Review status: criteria provided, single submitter. Criteria: ACMG Guidelines, 2015. Collection method: clinical testing. Allele origin: germline.
Comment: The MYH11 c.4261_4263delinsACG variant is predicted to result in an in-frame deletion and insertion. This variant was documented in a rare disease cohort; however, the associated clinical features were not available (Table S7, Stranneheim et al. 2021. PubMed ID: 33726816). In a large population database, this variant may be reported separately as c.4261G>A (p.Ala1421Thr) and c.4263T>G (p.Ala1421=), but it can also be reported as a multi-nucleotide variant c.4261_4263delinsACG (p.Ala1421Thr) which is documented in 121 heterozygous individuals. Although we suspect that this variant may be benign, at this time, the clinical significance of this variant is uncertain due to the absence of conclusive functional and genetic evidence.

Color Diagnostics, LLC DBA Color Health
Classification: Likely benign for Familial thoracic aortic aneurysm and aortic dissection. Last evaluated: 2020-01-14. Review status: criteria provided, single submitter. Criteria: ACMG Guidelines, 2015. Collection method: clinical testing. Allele origin: germline.

Labcorp Genetics (formerly Invitae), Labcorp
Classification: Likely benign for Aortic aneurysm, familial thoracic 4. Last evaluated: 2019-06-04. Review status: criteria provided, single submitter. Criteria: Invitae Variant Classification Sherloc (09022015). Collection method: clinical testing. Allele origin: germline.

Literature cited by the submitters: PubMed 33726816 (cited by Women's Health and Genetics/Laboratory Corporation of America, LabCorp and Ambry Genetics).

NM_002474.3(MYH11):c.4240_4242delinsACG (p.Ala1414Thr)

Genes: MYH11 (myosin heavy chain 11; minus strand), NDE1 (nudE neurodevelopment protein 1; plus strand). Cytogenetic location: 16p13.11.
Variant type: Indel.
Coding change: c.4240_4242delinsACG on transcript NM_002474.3 (MANE Select); coding-DNA positions 4240 to 4242, GCT replaced by ACG.
Protein change: p.Ala1414Thr; replaces alanine 1414 with threonine.
Molecular consequence: missense variant. On other transcripts: 3 prime UTR variant (2).
Genome position (GRCh38, 1-based): chr16:15,724,284-15,724,286, AGC replaced by CGT on the plus strand (GCT replaced by ACG on the coding strand, the reverse complement: MYH11 is on the minus strand). VCF-style: chr16-15724284-AGC-CGT. GRCh37 (hg19) VCF-style: chr16-15818141-AGC-CGT.
Other names: c.4261_4263delinsACG, p.Ala1421Thr (NM_001040113.2, NM_001040114.2); c.4240_4242delinsACG, p.Ala1414Thr (NM_022844.3); c.*33_*35delinsCGT (NM_001143979.2, NM_017668.3); short protein forms A1414T, A1421T.
Identifiers: ClinVar variation 201110 (VCV000201110.24), dbSNP rs794728676, ClinGen allele CA306671.